The following is an entry in ClinVar:

NM_001145358.2(SIN3A):c.2525T>C (p.Met842Thr)

Gene: SIN3A (SIN3 transcription regulator family member A; minus strand). Cytogenetic location: 15q24.2.
Variant type: single nucleotide variant.
Coding change: c.2525T>C on transcript NM_001145358.2 (MANE Select); coding-DNA position 2525, T replaced by C.
Protein change: p.Met842Thr; replaces methionine 842 with threonine.
Molecular consequence: missense variant.
Genome position (GRCh38, 1-based): chr15:75,392,568, A>G on the plus strand (T>C on the coding strand, the complement: SIN3A is on the minus strand). VCF-style: chr15-75392568-A-G. GRCh37 (hg19) VCF-style: chr15-75684909-A-G.
Other names: c.2525T>C, p.Met842Thr (NM_001145357.2, NM_015477.3); short protein forms M842T.
Identifiers: ClinVar variation 3343624 (VCV003343624.1).

ClinVar aggregate classification (germline): Uncertain significance (1 of 4 stars; one submission).

gnomAD v4.1: 1 of 1,613,930 alleles (0.000062%); highest among the groups gnomAD compares: Non-Finnish European, 0.000085%; no homozygotes.

Submission:

GeneDx
Classification: Uncertain significance. Last evaluated: 2023-05-21. Review status: criteria provided, single submitter. Criteria: GeneDx Variant Classification Process June 2021. Collection method: clinical testing. Allele origin: germline. Affected: yes.
Comment: Not observed at significant frequency in large population cohorts (gnomAD); In silico analysis supports that this missense variant does not alter protein structure/function; Has not been previously published as pathogenic or benign to our knowledge